The following is an entry in ClinVar:

NM_001035.3(RYR2):c.2275T>G (p.Leu759Val)

Gene: RYR2 (ryanodine receptor 2; plus strand). Cytogenetic location: 1q43.
Variant type: single nucleotide variant.
Coding change: c.2275T>G on transcript NM_001035.3 (MANE Select); coding-DNA position 2275, T replaced by G.
Protein change: p.Leu759Val; replaces leucine 759 with valine.
Molecular consequence: missense variant.
Genome position (GRCh38, 1-based): chr1:237,500,782, T>G. VCF-style: chr1-237500782-T-G. GRCh37 (hg19) VCF-style: chr1-237664082-T-G.
Other names: c.2275T>G (NM_001035.2); short protein forms L759V.
Identifiers: ClinVar variation 926919 (VCV000926919.9), dbSNP rs768063536, ClinGen allele CA345393147.

ClinVar aggregate classification (germline): Uncertain significance. Review status: criteria provided, multiple submitters, no conflicts (2 of 4 stars). 4 submissions from 4 submitters: Uncertain significance (4). Last evaluated 2025-12-08.

Conditions:
Cardiomyopathy (CMYO). Also called: Cardiomyopathies. Identifiers: Orphanet 167848, MedGen C0878544, MONDO:0004994, HP:0001638. Inheritance: Various modes of inheritance.
Cardiovascular phenotype. Identifiers: MedGen CN230736.
Catecholaminergic polymorphic ventricular tachycardia 1. Also called: VENTRICULAR TACHYCARDIA, CATECHOLAMINERGIC POLYMORPHIC, 1, WITH OR WITHOUT ATRIAL DYSFUNCTION AND/OR DILATED CARDIOMYOPATHY; VENTRICULAR TACHYCARDIA, STRESS-INDUCED POLYMORPHIC 1; RYR2-Related Catecholaminergic Polymorphic Ventricular Tachycardia. Identifiers: Orphanet 3286, MedGen C1631597, MONDO:0011484, OMIM 604772.
Arrhythmogenic right ventricular dysplasia 2. Identifiers: MedGen C1832931.
Ventricular arrhythmias due to cardiac ryanodine receptor calcium release deficiency syndrome. Also called: Autosomal dominant cardiac arrhythmia (Kuhn). Identifiers: MedGen C5542154, MONDO:0020745, OMIM 115000.

Submissions (4):

Labcorp Genetics (formerly Invitae), Labcorp
Classification: Uncertain significance for Catecholaminergic polymorphic ventricular tachycardia 1. Last evaluated: 2025-12-08. Review status: criteria provided, single submitter. Criteria: Invitae Variant Classification Sherloc (09022015). Collection method: clinical testing. Allele origin: germline.
Comment: This sequence change replaces leucine, which is neutral and non-polar, with valine, which is neutral and non-polar, at codon 759 of the RYR2 protein (p.Leu759Val). This variant is not present in population databases (gnomAD no frequency). This variant has not been reported in the literature in individuals affected with RYR2-related conditions. ClinVar contains an entry for this variant (Variation ID: 926919). Invitae Evidence Modeling of protein sequence and biophysical properties (such as structural, functional, and spatial information, amino acid conservation, physicochemical variation, residue mobility, and thermodynamic stability) has been performed for this missense variant. However, the output from this modeling did not meet the statistical confidence thresholds required to predict the impact of this variant on RYR2 protein function. In summary, the available evidence is currently insufficient to determine the role of this variant in disease. Therefore, it has been classified as a Variant of Uncertain Significance.

Ambry Genetics
Classification: Uncertain significance for Cardiovascular phenotype. Last evaluated: 2025-01-15. Review status: criteria provided, single submitter. Criteria: Ambry Variant Classification Scheme 2023. Collection method: clinical testing. Allele origin: germline.
Comment: The p.L759V variant (also known as c.2275T>G), located in coding exon 21 of the RYR2 gene, results from a T to G substitution at nucleotide position 2275. The leucine at codon 759 is replaced by valine, an amino acid with highly similar properties. This amino acid position is highly conserved in available vertebrate species. In addition, this alteration is predicted to be tolerated by in silico analysis. Based on the available evidence, the clinical significance of this variant remains unclear.

Color Diagnostics, LLC DBA Color Health
Classification: Uncertain significance for Cardiomyopathy. Last evaluated: 2023-12-05. Review status: criteria provided, single submitter. Criteria: ACMG Guidelines, 2015. Collection method: clinical testing. Allele origin: germline.
Comment: This missense variant replaces leucine with valine at codon 759 of the RYR2 protein. Computational prediction tools and conservation analyses suggest that this variant may have deleterious impact on protein structure and function. Splice site prediction tools suggest that this variant may not impact RNA splicing. To our knowledge, functional studies have not been performed for this variant. This variant has not been reported in individuals affected with cardiovascular disorders in the literature. This variant has not been identified in the general population by the Genome Aggregation Database (gnomAD). The available evidence is insufficient to determine the role of this variant in disease conclusively. Therefore, this variant is classified as a Variant of Uncertain Significance.

Fulgent Genetics
Classification: Uncertain significance for Ventricular arrhythmias due to cardiac ryanodine receptor calcium release deficiency syndrome; Catecholaminergic polymorphic ventricular tachycardia 1. Last evaluated: 2021-07-13. Review status: criteria provided, single submitter. Criteria: ACMG Guidelines, 2015. Collection method: clinical testing. Allele origin: unknown.